The following is an entry in ClinVar:

ClinVar aggregate classification (germline): Benign. Review status: criteria provided, multiple submitters, no conflicts (2 of 4 stars). 2 submissions from 2 submitters: Benign (2). Last evaluated 2018-07-10.

Conditions:
Cockayne syndrome type 1. Also called: Cockayne syndrome type I; Cockayne syndrome classical; Cockayne syndrome classic form. Identifiers: Orphanet 191, Orphanet 90321, MedGen C0751039, MONDO:0019569, OMIM 216400.

Allele frequency attached by ClinVar (database versions not stated): gnomAD exomes 0.00156 and 0.00380; ExAC 0.00503; gnomAD 0.01520 and 0.01630; 1000 Genomes Project 0.01657; TOPMed 0.01659; ESP Exome Variant Server 0.01776; 1000 Genomes Project 30x 0.01827.
gnomAD v4.1: 4,650 of 1,591,654 alleles (0.29%); highest among the groups gnomAD compares: African/African-American, 5.3%; 114 homozygotes.

Submissions (2):

GeneDx
Classification: Benign. Last evaluated: 2018-07-10. Review status: criteria provided, single submitter. Criteria: GeneDx Variant Classification Process June 2021. Collection method: clinical testing. Allele origin: germline. Affected: yes.

Illumina Laboratory Services, Illumina
Classification: Benign for Cockayne syndrome type 1. Last evaluated: 2018-01-13. Review status: criteria provided, single submitter. Criteria: ICSL Variant Classification Criteria 13 December 2019. Collection method: clinical testing. Allele origin: germline.
Comment: This variant was observed in the ICSL laboratory as part of a predisposition screen in an ostensibly healthy population. It had not been previously curated by ICSL or reported in the Human Gene Mutation Database (HGMD: prior to June 1st, 2018), and was therefore a candidate for classification through an automated scoring system. Utilizing variant allele frequency, disease prevalence and penetrance estimates, and inheritance mode, an automated score was calculated to assess if this variant is too frequent to cause the disease. Based on the score and internal cut-off values, a variant classified as benign is not then subjected to further curation. The score for this variant resulted in a classification of benign for this disease.

NM_000082.4(ERCC8):c.*36C>T

Gene: ERCC8 (ERCC excision repair 8, CSA ubiquitin ligase complex subunit; minus strand). Cytogenetic location: 5q12.1.
Variant type: single nucleotide variant.
Coding change: c.*36C>T on transcript NM_000082.4 (MANE Select); 36 bases downstream of the stop codon, C replaced by T.
Molecular consequence: 3 prime UTR variant.
Genome position (GRCh38, 1-based): chr5:60,874,579, G>A on the plus strand (C>T on the coding strand, the complement: ERCC8 is on the minus strand). VCF-style: chr5-60874579-G-A. GRCh37 (hg19) VCF-style: chr5-60170406-G-A.
Other names: c.*36C>T (NM_001007233.3, NM_001290285.2).
Identifiers: ClinVar variation 354012 (VCV000354012.6), dbSNP rs4647152, ClinGen allele CA3277567.